The following is an entry in ClinVar:

NM_006950.3(SYN1):c.189G>T (p.Pro63=)

Gene: SYN1 (synapsin I; minus strand). Cytogenetic location: Xp11.23.
Variant type: single nucleotide variant.
Coding change: c.189G>T on transcript NM_006950.3 (MANE Select); coding-DNA position 189, G replaced by T.
Protein change: p.Pro63=; no amino-acid change (proline 63 retained).
Molecular consequence: synonymous variant.
Genome position (GRCh38, 1-based): chrX:47,619,540, C>A on the plus strand (G>T on the coding strand, the complement: SYN1 is on the minus strand). VCF-style: chrX-47619540-C-A. GRCh37 (hg19) VCF-style: chrX-47478939-C-A.
Other names: p.P63P:CCG>CCT; c.189G>T, p.Pro63= (NM_133499.2).
Identifiers: ClinVar variation 207465 (VCV000207465.21), dbSNP rs371739376, ClinGen allele CA318934.

ClinVar aggregate classification (germline): Likely benign. Review status: criteria provided, multiple submitters, no conflicts (2 of 4 stars). 8 submissions from 8 submitters: Likely benign (5). 3 of the submissions do not count toward it. Last evaluated 2026-01-26.

Conditions:
SYN1-related disorder. Also called: SYN1-Related Disorders; SYN1-related condition.
Inborn genetic diseases. Identifiers: MedGen C0950123, MeSH D030342.
Epilepsy, X-linked 1, with variable learning disabilities and behavior disorders. Also called: X-linked epilepsy-learning disabilities-behavior disorders syndrome. Identifiers: Orphanet 85294, MedGen C5774177, MONDO:0010339, OMIM 300491.

Allele frequency attached by ClinVar (database versions not stated): TOPMed 0.00014; ExAC 0.00020; 1000 Genomes Project 30x 0.00021.
gnomAD v4.1: 62 of 1,188,162 alleles (0.0052%); highest among the groups gnomAD compares: South Asian, 0.044%; no homozygotes.

Submissions (8):

Labcorp Genetics (formerly Invitae), Labcorp
Classification: Likely benign for Epilepsy, X-linked 1, with variable learning disabilities and behavior disorders. Last evaluated: 2026-01-26. Review status: criteria provided, single submitter. Criteria: Invitae Variant Classification Sherloc (09022015). Collection method: clinical testing. Allele origin: germline.

Revvity Omics, Revvity
Classification: Likely benign. Last evaluated: 2023-10-20. Review status: criteria provided, single submitter. Criteria: ACMG Guidelines, 2015. Collection method: clinical testing. Allele origin: germline.

Blueprint Genetics
Classification: Likely benign. Last evaluated: 2023-04-25. Review status: criteria provided, single submitter. Criteria: ACMG Guidelines, 2015. Collection method: clinical testing. Allele origin: germline.

Ambry Genetics
Classification: Likely benign for Inborn genetic diseases. Last evaluated: 2019-03-01. Review status: criteria provided, single submitter. Criteria: Ambry Variant Classification Scheme 2023. Collection method: clinical testing. Allele origin: germline.

GeneDx
Classification: Likely benign. Last evaluated: 2014-04-17. Review status: criteria provided, single submitter. Criteria: GeneDx Variant Classification (06012015). Collection method: clinical testing. Allele origin: germline. Affected: yes.
Comment: This variant is considered likely benign or benign based on one or more of the following criteria: it is a conservative change, it occurs at a poorly conserved position in the protein, it is predicted to be benign by multiple in silico algorithms, and/or has population frequency not consistent with disease.

PreventionGenetics, part of Exact Sciences
Classification: Likely benign for SYN1-related condition. Last evaluated: 2022-03-24. Review status: no assertion criteria provided. Collection method: clinical testing. Allele origin: germline. Not counted in ClinVar's aggregate classification.
Comment: This variant is classified as likely benign based on ACMG/AMP sequence variant interpretation guidelines (Richards et al. 2015 PMID: 25741868, with internal and published modifications).

Clinical Genetics DNA and cytogenetics Diagnostics Lab, Erasmus MC, Erasmus Medical Center
Classification: Likely benign. Review status: no assertion criteria provided. Collection method: clinical testing. Allele origin: germline. Affected: yes. Study: VKGL Data-share Consensus. Not counted in ClinVar's aggregate classification.

Genome Diagnostics Laboratory, University Medical Center Utrecht
Classification: Likely benign. Review status: no assertion criteria provided. Collection method: clinical testing. Allele origin: germline. Affected: yes. Study: VKGL Data-share Consensus. Not counted in ClinVar's aggregate classification.